The following is an entry in ClinVar:

ClinVar aggregate classification (germline): Uncertain significance (1 of 4 stars; one submission).

Submission:

Labcorp Genetics (formerly Invitae), Labcorp
Classification: Uncertain significance. Last evaluated: 2025-08-30. Review status: criteria provided, single submitter. Criteria: Invitae Variant Classification Sherloc (09022015). Collection method: clinical testing. Allele origin: germline.
Comment: This sequence change replaces alanine, which is neutral and non-polar, with aspartic acid, which is acidic and polar, at codon 733 of the PHIP protein (p.Ala733Asp). This variant is not present in population databases (gnomAD no frequency). This variant has not been reported in the literature in individuals affected with PHIP-related conditions. Invitae Evidence Modeling of protein sequence and biophysical properties (such as structural, functional, and spatial information, amino acid conservation, physicochemical variation, residue mobility, and thermodynamic stability) has been performed for this missense variant. However, the output from this modeling did not meet the statistical confidence thresholds required to predict the impact of this variant on PHIP protein function. In summary, the available evidence is currently insufficient to determine the role of this variant in disease. Therefore, it has been classified as a Variant of Uncertain Significance.

NM_017934.7(PHIP):c.2198C>A (p.Ala733Asp)

Gene: PHIP (PHIP subunit of CUL4-Ring ligase complex; minus strand). Cytogenetic location: 6q14.1.
Variant type: single nucleotide variant.
Coding change: c.2198C>A on transcript NM_017934.7 (MANE Select); coding-DNA position 2198, C replaced by A.
Protein change: p.Ala733Asp; replaces alanine 733 with aspartic acid.
Molecular consequence: missense variant.
Genome position (GRCh38, 1-based): chr6:78,997,417, G>T on the plus strand (C>A on the coding strand, the complement: PHIP is on the minus strand). VCF-style: chr6-78997417-G-T. GRCh37 (hg19) VCF-style: chr6-79707134-G-T.
Other names: short protein forms A733D.
Identifiers: ClinVar variation 4746730 (VCV004746730.1).